The following is an entry in ClinVar:

NM_003239.5(TGFB3):c.103A>G (p.Ile35Val)

Gene: TGFB3 (transforming growth factor beta 3; minus strand). Cytogenetic location: 14q24.3.
Variant type: single nucleotide variant.
Coding change: c.103A>G on transcript NM_003239.5 (MANE Select); coding-DNA position 103, A replaced by G.
Protein change: p.Ile35Val; replaces isoleucine 35 with valine.
Molecular consequence: missense variant.
Genome position (GRCh38, 1-based): chr14:75,980,791, T>C on the plus strand (A>G on the coding strand, the complement: TGFB3 is on the minus strand). VCF-style: chr14-75980791-T-C. GRCh37 (hg19) VCF-style: chr14-76447134-T-C.
Other names: c.103A>G, p.Ile35Val (NM_001329938.2, NM_001329939.2); short protein forms I35V.
Identifiers: ClinVar variation 2118892 (VCV002118892.4), dbSNP rs1419846236, ClinGen allele CA390471655.
Genomic context (GRCh38, chr14:75,980,791, plus strand): 5'-TGGTGAGCCTGAGCTTGCTCAAGATCTGTCCCCTAATGGCTTCCACCCTCTTCTTCTTGA[T>C]GTGGCCGAAGTCCAAGGTGGTGCAAGTGGACAGAGAGAGGCTGACCGTGGCAAAGTTCAG-3'
Protein context (NP_003230.1, residues 25-45): STCTTLDFGH[Ile35Val]KKKRVEAIRG

ClinVar aggregate classification (germline): Uncertain significance (1 of 4 stars; one submission).

Conditions:
Rienhoff syndrome. Also called: LOEYS-DIETZ SYNDROME 5. Identifiers: MedGen C3810012, MONDO:0014262, OMIM 615582.

Allele frequency attached by ClinVar (database versions not stated): TOPMed below 0.00001.

Submission:

Labcorp Genetics (formerly Invitae), Labcorp
Classification: Uncertain significance for Rienhoff syndrome. Last evaluated: 2025-02-24. Review status: criteria provided, single submitter. Criteria: Invitae Variant Classification Sherloc (09022015). Collection method: clinical testing. Allele origin: germline.
Comment: This sequence change replaces isoleucine, which is neutral and non-polar, with valine, which is neutral and non-polar, at codon 35 of the TGFB3 protein (p.Ile35Val). This variant is not present in population databases (gnomAD no frequency). This variant has not been reported in the literature in individuals affected with TGFB3-related conditions. ClinVar contains an entry for this variant (Variation ID: 2118892). An algorithm developed to predict the effect of missense changes on protein structure and function (PolyPhen-2) suggests that this variant is likely to be tolerated. In summary, the available evidence is currently insufficient to determine the role of this variant in disease. Therefore, it has been classified as a Variant of Uncertain Significance.